The following is an entry in ClinVar:

ClinVar aggregate classification (germline): Uncertain significance (1 of 4 stars; one submission).

Conditions:
Arterial tortuosity syndrome (ATORS). Identifiers: Orphanet 3342, MedGen C1859726, MONDO:0008818, OMIM 208050.

Submission:

Labcorp Genetics (formerly Invitae), Labcorp
Classification: Uncertain significance for Arterial tortuosity syndrome. Last evaluated: 2024-04-16. Review status: criteria provided, single submitter. Criteria: Invitae Variant Classification Sherloc (09022015). Collection method: clinical testing. Allele origin: germline.
Comment: This sequence change replaces aspartic acid, which is acidic and polar, with glycine, which is neutral and non-polar, at codon 70 of the SLC2A10 protein (p.Asp70Gly). This variant is not present in population databases (gnomAD no frequency). This variant has not been reported in the literature in individuals affected with SLC2A10-related conditions. ClinVar contains an entry for this variant (Variation ID: 854004). Advanced modeling of protein sequence and biophysical properties (such as structural, functional, and spatial information, amino acid conservation, physicochemical variation, residue mobility, and thermodynamic stability) performed at Invitae indicates that this missense variant is expected to disrupt SLC2A10 protein function with a positive predictive value of 95%. In summary, the available evidence is currently insufficient to determine the role of this variant in disease. Therefore, it has been classified as a Variant of Uncertain Significance.

NM_030777.4(SLC2A10):c.209A>G (p.Asp70Gly)

Gene: SLC2A10 (solute carrier family 2 member 10; plus strand). Cytogenetic location: 20q13.12.
Variant type: single nucleotide variant.
Coding change: c.209A>G on transcript NM_030777.4 (MANE Select); coding-DNA position 209, A replaced by G.
Protein change: p.Asp70Gly; replaces aspartic acid 70 with glycine.
Molecular consequence: missense variant.
Genome position (GRCh38, 1-based): chr20:46,725,245, A>G. VCF-style: chr20-46725245-A-G. GRCh37 (hg19) VCF-style: chr20-45353884-A-G.
Other names: short protein forms D70G.
Identifiers: ClinVar variation 854004 (VCV000854004.7), dbSNP rs1979817884, ClinGen allele CA409266565.